The following is an entry in ClinVar:

NM_024589.3(ROGDI):c.707C>G (p.Ser236Cys)

Gene: ROGDI (rogdi atypical leucine zipper; minus strand). Cytogenetic location: 16p13.3.
Variant type: single nucleotide variant.
Coding change: c.707C>G on transcript NM_024589.3 (MANE Select); coding-DNA position 707, C replaced by G.
Protein change: p.Ser236Cys; replaces serine 236 with cysteine.
Molecular consequence: missense variant. On other transcripts: non-coding transcript variant (1).
Genome position (GRCh38, 1-based): chr16:4,797,829, G>C on the plus strand (C>G on the coding strand, the complement: ROGDI is on the minus strand). VCF-style: chr16-4797829-G-C. GRCh37 (hg19) VCF-style: chr16-4847830-G-C.
Other names: short protein forms S236C.
Identifiers: ClinVar variation 1471424 (VCV001471424.6), dbSNP rs2141905479, ClinGen allele CA394649144.

ClinVar aggregate classification (germline): Uncertain significance (1 of 4 stars; one submission).

Conditions:
Amelocerebrohypohidrotic syndrome (KTZS). Also called: Kohlschutter's syndrome; EPILEPSY AND YELLOW TEETH; EPILEPSY, DEMENTIA, AND AMELOGENESIS IMPERFECTA; KOHLSCHUTTER SYNDROME. Identifiers: Orphanet 1946, MedGen C0406740, MONDO:0009185, OMIM 226750.

gnomAD v4.1: 2 of 1,611,900 alleles (0.00012%); highest among the groups gnomAD compares: South Asian, 0.0011%; no homozygotes.

Submission:

Labcorp Genetics (formerly Invitae), Labcorp
Classification: Uncertain significance for Amelocerebrohypohidrotic syndrome. Last evaluated: 2022-06-03. Review status: criteria provided, single submitter. Criteria: Invitae Variant Classification Sherloc (09022015). Collection method: clinical testing. Allele origin: germline.
Comment: In summary, the available evidence is currently insufficient to determine the role of this variant in disease. Therefore, it has been classified as a Variant of Uncertain Significance. Algorithms developed to predict the effect of missense changes on protein structure and function are either unavailable or do not agree on the potential impact of this missense change (SIFT: "Deleterious"; PolyPhen-2: "Possibly Damaging"; Align-GVGD: "Class C0"). ClinVar contains an entry for this variant (Variation ID: 1471424). This variant has not been reported in the literature in individuals affected with ROGDI-related conditions. This variant is not present in population databases (gnomAD no frequency). This sequence change replaces serine, which is neutral and polar, with cysteine, which is neutral and slightly polar, at codon 236 of the ROGDI protein (p.Ser236Cys).